The following is an entry in ClinVar:

ClinVar aggregate classification (germline): Likely benign (0 of 4 stars; one submission).

Conditions:
NEK1-related disorder. Also called: NEK1-related condition.

Submission:

PreventionGenetics, part of Exact Sciences
Classification: Likely benign for NEK1-related condition. Last evaluated: 2023-12-07. Review status: no assertion criteria provided. Collection method: clinical testing. Allele origin: germline.
Comment: This variant is classified as likely benign based on ACMG/AMP sequence variant interpretation guidelines (Richards et al. 2015 PMID: 25741868, with internal and published modifications).

NM_001199397.3(NEK1):c.1941A>G (p.Leu647=)

Gene: NEK1 (NIMA related kinase 1; minus strand). Cytogenetic location: 4q33.
Variant type: single nucleotide variant.
Coding change: c.1941A>G on transcript NM_001199397.3 (MANE Select); coding-DNA position 1941, A replaced by G.
Protein change: p.Leu647=; no amino-acid change (leucine 647 retained).
Molecular consequence: synonymous variant. On other transcripts: non-coding transcript variant (1), intron variant (1).
Genome position (GRCh38, 1-based): chr4:169,507,103, T>C on the plus strand (A>G on the coding strand, the complement: NEK1 is on the minus strand). VCF-style: chr4-169507103-T-C. GRCh37 (hg19) VCF-style: chr4-170428254-T-C.
Other names: c.1809A>G, p.Leu603= (NM_001199398.3); c.1650A>G, p.Leu550= (NM_001199399.3); c.1725A>G, p.Leu575= (NM_001199400.3); c.1941A>G, p.Leu647= (NM_001374418.1); c.1857A>G, p.Leu619= (NM_001374419.1, NM_012224.4); c.1806A>G, p.Leu602= (NM_001374420.1); c.1701+612A>G (NM_001374421.1).
Identifiers: ClinVar variation 3348721 (VCV003348721.1).